The following is an entry in ClinVar:

ClinVar aggregate classification (germline): Uncertain significance (1 of 4 stars; one submission).

Conditions:
Inborn genetic diseases. Identifiers: MedGen C0950123, MeSH D030342.

Allele frequency attached by ClinVar (database versions not stated): gnomAD exomes 0.00001.

Submission:

Ambry Genetics
Classification: Uncertain significance for Inborn genetic diseases. Last evaluated: 2025-01-30. Review status: criteria provided, single submitter. Criteria: Ambry Variant Classification Scheme 2023. Collection method: clinical testing. Allele origin: germline.
Comment: The c.4812+4A>C intronic alteration consists of a A to C substitution 4 nucleotides after exon 17 (coding exon 16) of the SETD1A gene. Based on insufficient or conflicting evidence, the clinical significance of this alteration remains unclear.

NM_014712.3(SETD1A):c.4812+4A>C

Gene: SETD1A (SET domain containing 1A, histone lysine methyltransferase; plus strand). Cytogenetic location: 16p11.2.
Variant type: single nucleotide variant.
Coding change: c.4812+4A>C on transcript NM_014712.3 (MANE Select); 4 bases into the intron after coding-DNA position 4812, A replaced by C.
Molecular consequence: intron variant.
Genome position (GRCh38, 1-based): chr16:30,981,184, A>C. VCF-style: chr16-30981184-A-C. GRCh37 (hg19) VCF-style: chr16-30992505-A-C.
Identifiers: ClinVar variation 2273873 (VCV002273873.3), dbSNP rs747405705, ClinGen allele CA280555009.